The following is an entry in ClinVar:

ClinVar aggregate classification (germline): Uncertain significance. Review status: criteria provided, single submitter (1 of 4 stars). 2 submissions from 2 submitters: Uncertain significance (1). 1 of the submissions does not count toward it. Last evaluated 2026-06-23.

Conditions:
Hypochondroplasia (HCH). Identifiers: Orphanet 429, MedGen C0410529, MONDO:0007793, OMIM 146000. Disease mechanism: gain of function.

Submissions (2):

Genomenon, Inc
Classification: Uncertain significance for Hypochondroplasia. Last evaluated: 2026-06-23. Review status: criteria provided, single submitter. Criteria: Genomenon Sequence Variant Interpretation Standards - Updated. Collection method: curation. Allele origin: germline. Affected: yes.
Comment: FGFR3 p.Gly342Cys (c.1024G>T) is a missense variant that changes the amino acid at codon 342 from Glycine to Cysteine. This variant has been observed in at least one proband with hypochondroplasia (PMID:38813446;23726269). The variant was found to segregate with disease in at least one affected family (PMID:23726269). It is absent or not present at a significant frequency in gnomAD. In conclusion, we classify FGFR3 p.Gly342Cys (c.1024G>T) as a variant of uncertain significance.

OMIM
Classification: Pathogenic for HYPOCHONDROPLASIA. Last evaluated: 2013-08-23. Review status: no assertion criteria provided. Collection method: literature only. Allele origin: germline. Not counted in ClinVar's aggregate classification.

Literature cited by the submitters: PubMed 38813446 (cited by Genomenon, Inc); PubMed 23726269 (cited by Genomenon, Inc and OMIM); PubMed 29542187 (cited by Genomenon, Inc); PubMed 30681580 (cited by Genomenon, Inc); PubMed 29736252 (cited by Genomenon, Inc); PubMed 24411048 (cited by Genomenon, Inc); PubMed 26126848 (cited by Genomenon, Inc).

NM_000142.5(FGFR3):c.1024G>T (p.Gly342Cys)

Gene: FGFR3 (fibroblast growth factor receptor 3; plus strand). Cytogenetic location: 4p16.3.
Variant type: single nucleotide variant.
Coding change: c.1024G>T on transcript NM_000142.5 (MANE Select); coding-DNA position 1024, G replaced by T.
Protein change: p.Gly342Cys; replaces glycine 342 with cysteine.
Molecular consequence: missense variant. On other transcripts: non-coding transcript variant (1), intron variant (2).
Genome position (GRCh38, 1-based): chr4:1,803,785, G>T. VCF-style: chr4-1803785-G-T. GRCh37 (hg19) VCF-style: chr4-1805512-G-T.
Other names: c.1024G>T, p.Gly342Cys (NM_001354809.2, NM_001354810.2); c.1082-545G>T (NM_001163213.2); c.931-1039G>T (NM_022965.4); short protein forms G342C.
Identifiers: ClinVar variation 65826 (VCV000065826.5), dbSNP rs587778775, ClinGen allele CA345154.